The following is an entry in ClinVar:

ClinVar aggregate classification (germline): Likely benign. Review status: criteria provided, multiple submitters, no conflicts (2 of 4 stars). 2 submissions from 2 submitters: Likely benign (2). Last evaluated 2025-02-28.

Conditions:
RPGRIP1L-related disorder. Also called: RPGRIP1L-related disorders; RPGRIP1L-related condition. Identifiers: MedGen CN239416.
Meckel-Gruber syndrome. Also called: Dysencephalia splachnocystica; DYSENCEPHALIA SPLANCHNOCYSTICA; GRUBER SYNDROME. Identifiers: Orphanet 564, MedGen C0265215, MONDO:0018921.
Joubert syndrome. Also called: JOUBERT-BOLTSHAUSER SYNDROME; Familial aplasia of the vermis. Identifiers: Orphanet 475, MedGen C5979921, MONDO:0018772.

gnomAD v4.1: 5 of 1,613,692 alleles (0.00031%); highest among the groups gnomAD compares: Non-Finnish European, 0.00042%; no homozygotes.

Submissions (2):

PreventionGenetics, part of Exact Sciences
Classification: Likely benign for RPGRIP1L-related condition. Last evaluated: 2025-02-28. Review status: criteria provided, single submitter. Criteria: ACMG Guidelines, 2015. Collection method: clinical testing. Allele origin: germline.
Comment: This variant is classified as likely benign based on ACMG/AMP sequence variant interpretation guidelines (Richards et al. 2015 PMID: 25741868, with internal and published modifications).

Labcorp Genetics (formerly Invitae), Labcorp
Classification: Likely benign for Joubert syndrome; Meckel-Gruber syndrome. Last evaluated: 2024-01-16. Review status: criteria provided, single submitter. Criteria: Invitae Variant Classification Sherloc (09022015). Collection method: clinical testing. Allele origin: germline.

NM_015272.5(RPGRIP1L):c.1149A>G (p.Gln383=)

Gene: RPGRIP1L (RPGRIP1 like; minus strand). Cytogenetic location: 16q12.2.
Variant type: single nucleotide variant.
Coding change: c.1149A>G on transcript NM_015272.5 (MANE Select); coding-DNA position 1149, A replaced by G.
Protein change: p.Gln383=; no amino-acid change (glutamine 383 retained).
Molecular consequence: synonymous variant.
Genome position (GRCh38, 1-based): chr16:53,664,964, T>C on the plus strand (A>G on the coding strand, the complement: RPGRIP1L is on the minus strand). VCF-style: chr16-53664964-T-C. GRCh37 (hg19) VCF-style: chr16-53698876-T-C.
Other names: c.1149A>G (NM_015272.4); c.1149A>G, p.Gln383= (NM_001127897.4, NM_001308334.3, NM_001330538.2).
Identifiers: ClinVar variation 1078190 (VCV001078190.10), dbSNP rs2151198800, ClinGen allele CA495538597.